The following is an entry in ClinVar:

NM_130839.5(UBE3A):c.587C>T (p.Ser196Phe)

Genes: SNHG14 (small nucleolar RNA host gene 14; plus strand), UBE3A (ubiquitin protein ligase E3A; minus strand). Cytogenetic location: 15q11.2.
Variant type: single nucleotide variant.
Coding change: c.587C>T on transcript NM_130839.5 (MANE Select); coding-DNA position 587, C replaced by T.
Protein change: p.Ser196Phe; replaces serine 196 with phenylalanine.
Molecular consequence: missense variant. On other transcripts: non-coding transcript variant (1), intron variant (2).
Genome position (GRCh38, 1-based): chr15:25,371,587, G>A on the plus strand (C>T on the coding strand, the complement: UBE3A is on the minus strand). VCF-style: chr15-25371587-G-A. GRCh37 (hg19) VCF-style: chr15-25616734-G-A.
Other names: c.596C>T, p.Ser199Phe (NM_000462.5); c.587C>T, p.Ser196Phe (NM_001354505.1, NM_001354538.2, NM_001354545.2); c.527C>T, p.Ser176Phe (NM_001354506.2, NM_001354507.2, NM_001354508.2 and 17 more transcripts); c.410C>T, p.Ser137Phe (NM_001354546.2); c.301+3878C>T (NM_001354551.2); c.361+3878C>T (NM_001354550.2); short protein forms S137F, S176F, S196F, S199F.
Identifiers: ClinVar variation 1219922 (VCV001219922.3), dbSNP rs2152823217, ClinGen allele CA391355507.
Genomic context (GRCh38, chr15:25,371,587, plus strand): 5'-TGTGAGCTATCACCTATCCTTGAGGAAGATGCTTCTGAGTCTTCTTCCATAGCAGCAGCA[G>A]AACATGCAGCTTTTTCCTTTTCATCTTCATCTTTGTCTTCATCTTTTGCTTGAAGAGATT-3'
Protein context (NP_570854.1, residues 186-206): DEDEKEKAAC[Ser196Phe]AAAMEEDSEA

ClinVar aggregate classification (germline): Uncertain significance (1 of 4 stars; one submission).

Submission:

GeneDx
Classification: Uncertain significance. Last evaluated: 2021-03-23. Review status: criteria provided, single submitter. Criteria: GeneDx Variant Classification Process June 2021. Collection method: clinical testing. Allele origin: germline. Affected: yes.
Comment: Not observed in large population cohorts (Lek et al., 2016); In silico analysis, which includes protein predictors and evolutionary conservation, supports that this variant does not alter protein structure/function; Has not been previously published as pathogenic or benign to our knowledge